The following is an entry in ClinVar:

ClinVar aggregate classification (germline): Uncertain significance (1 of 4 stars; one submission).

Conditions:
Testosterone 17-beta-dehydrogenase deficiency. Also called: 17 alpha ketosteroid reductase deficiency of testis; 17 alpha KSR deficiency; Neutral 17 beta hydroxysteroid oxidoreductase deficiency; Male pseudoherma-phroditism with gynecomastia; 46,XY disorder of sex development due to 17-beta-hydroxysteroid dehydrogenase 3 deficiency; Pseudohermaphroditism male with gynecomastia. Identifiers: Orphanet 752, MedGen C0268296, MONDO:0009916, OMIM 264300. Disease mechanism: loss of function.

Submission:

Laboratorio de Genetica e Diagnostico Molecular, Hospital Israelita Albert Einstein
Classification: Uncertain significance for Testosterone 17-beta-dehydrogenase deficiency. Last evaluated: 2025-09-22. Review status: criteria provided, single submitter. Criteria: ACMG Guidelines, 2015. Collection method: clinical testing. Allele origin: germline. Affected: yes.
Comment: ACMG classification criteria: PM2 supporting, PM3 supporting, PP3 supporting

NM_000197.2(HSD17B3):c.490A>C (p.Met164Leu)

Genes: HSD17B3 (hydroxysteroid 17-beta dehydrogenase 3; minus strand), HSD17B3-AS1 (HSD17B3 antisense RNA 1; plus strand), SLC35D2-HSD17B3 (SLC35D2-HSD17B3 readthrough; minus strand). Cytogenetic location: 9q22.32.
Variant type: single nucleotide variant.
Coding change: c.490A>C on transcript NM_000197.2 (MANE Select); coding-DNA position 490, A replaced by C.
Protein change: p.Met164Leu; replaces methionine 164 with leucine.
Molecular consequence: missense variant. On other transcripts: non-coding transcript variant (2).
Genome position (GRCh38, 1-based): chr9:96,246,590, T>G on the plus strand (A>C on the coding strand, the complement: HSD17B3 is on the minus strand). VCF-style: chr9-96246590-T-G. GRCh37 (hg19) VCF-style: chr9-99008872-T-G.
Other names: short protein forms M164L.
Identifiers: ClinVar variation 4846812 (VCV004846812.1).